The following is an entry in ClinVar:

NM_000051.4(ATM):c.3577-201_3604delinsATCAAGAAAAGTTGAATGAATGTT

Gene: ATM (ATM serine/threonine kinase; plus strand). Cytogenetic location: 11q22.3.
Variant type: Indel.
Coding change: c.3577-201_3604delinsATCAAGAAAAGTTGAATGAATGTT on transcript NM_000051.4 (MANE Select); 201 bases into the intron before coding-DNA position 3577 through coding-DNA position 3604, the reference bases replaced by ATCAAGAAAAGTTGAATGAATGTT.
Molecular consequence: splice acceptor variant.
Genome position (GRCh38, 1-based): chr11:108,282,509-108,282,737, 229 bases replaced. GRCh37 (hg19): chr11:108,153,236-108,153,464.
Other names: c.3577-201_3604delinsATCAAGAAAAGTTGAATGAATGTT (NM_001351834.2).
Identifiers: ClinVar variation 1732835 (VCV001732835.2), dbSNP rs2546877438, ClinGen allele CA2580083229.

ClinVar aggregate classification (germline): Likely pathogenic (1 of 4 stars; one submission).

Conditions:
Hereditary cancer-predisposing syndrome. Also called: Neoplastic Syndromes, Hereditary; Tumor predisposition; Hereditary Cancer Syndrome; Hereditary neoplastic syndrome. Identifiers: Orphanet 140162, MedGen C0027672, MeSH D009386, MONDO:0015356.

Submission:

Ambry Genetics
Classification: Likely pathogenic for Hereditary cancer-predisposing syndrome. Last evaluated: 2023-11-14. Review status: criteria provided, single submitter. Criteria: Ambry Variant Classification Scheme 2023. Collection method: clinical testing. Allele origin: germline.
Comment: The c.3577-201_3604del229ins24 variant results from a deletion of 229 nucleotides and insertion of 24 nucleotides at positions c.3577-201 to c.3604 and involves the canonical splice acceptor site before coding exon 24 of the ATM gene. The canonical splice acceptor site is highly conserved in available vertebrate species. In silico splice site analysis predicts that this alteration will weaken the native splice acceptor site. RNA studies have demonstrated abnormal splicing in the set of samples tested (Ambry internal data). Alterations that disrupt the canonical splice site are expected to cause aberrant splicing, resulting in an abnormal protein or a transcript that is subject to nonsense-mediated mRNA decay. This variant is considered to be rare based on population cohorts in the Genome Aggregation Database (gnomAD). Based on the majority of available evidence to date, this variant is likely to be pathogenic.